The following is an entry in ClinVar:

ClinVar aggregate classification (germline): Uncertain significance. Review status: criteria provided, multiple submitters, no conflicts (2 of 4 stars). 2 submissions from 2 submitters: Uncertain significance (2). Last evaluated 2025-10-21.

Conditions:
Hereditary cancer-predisposing syndrome. Also called: Neoplastic Syndromes, Hereditary; Hereditary Cancer Syndrome; Hereditary neoplastic syndrome; Tumor predisposition. Identifiers: Orphanet 140162, MedGen C0027672, MeSH D009386, MONDO:0015356.

Allele frequency attached by ClinVar (database versions not stated): gnomAD exomes below 0.00001.
gnomAD v4.1: 1 of 1,613,776 alleles (0.000062%); highest among the groups gnomAD compares: Admixed American, 0.0017%; no homozygotes.

Submissions (2):

Ambry Genetics
Classification: Uncertain significance for Hereditary cancer-predisposing syndrome. Last evaluated: 2025-10-21. Review status: criteria provided, single submitter. Criteria: Ambry Variant Classification Scheme 2023. Collection method: clinical testing. Allele origin: germline.
Comment: The p.V240L variant (also known as c.718G>C), located in coding exon 5 of the FH gene, results from a G to C substitution at nucleotide position 718. The valine at codon 240 is replaced by leucine, an amino acid with highly similar properties. This amino acid position is conserved. In addition, this alteration is predicted to be deleterious by in silico analysis. Based on the available evidence, the clinical significance of this variant remains unclear.

Labcorp Genetics (formerly Invitae), Labcorp
Classification: Uncertain significance. Last evaluated: 2021-04-26. Review status: criteria provided, single submitter. Criteria: Invitae Variant Classification Sherloc (09022015). Collection method: clinical testing. Allele origin: germline.
Comment: In summary, the available evidence is currently insufficient to determine the role of this variant in disease. Therefore, it has been classified as a Variant of Uncertain Significance. Advanced modeling of protein sequence and biophysical properties (such as structural, functional, and spatial information, amino acid conservation, physicochemical variation, residue mobility, and thermodynamic stability) performed at Invitae indicates that this missense variant is expected to disrupt FH protein function. This variant has not been reported in the literature in individuals with FH-related conditions. This variant is not present in population databases (ExAC no frequency). This sequence change replaces valine with leucine at codon 240 of the FH protein (p.Val240Leu). The valine residue is highly conserved and there is a small physicochemical difference between valine and leucine.

NM_000143.4(FH):c.718G>C (p.Val240Leu)

Gene: FH (fumarate hydratase; minus strand). Cytogenetic location: 1q43.
Variant type: single nucleotide variant.
Coding change: c.718G>C on transcript NM_000143.4 (MANE Select); coding-DNA position 718, G replaced by C.
Protein change: p.Val240Leu; replaces valine 240 with leucine.
Molecular consequence: missense variant.
Genome position (GRCh38, 1-based): chr1:241,508,623, C>G on the plus strand (G>C on the coding strand, the complement: FH is on the minus strand). VCF-style: chr1-241508623-C-G. GRCh37 (hg19) VCF-style: chr1-241671923-C-G.
Other names: c.718G>C (NM_000143.3); short protein forms V240L.
Identifiers: ClinVar variation 1435759 (VCV001435759.10), dbSNP rs1291740270, ClinGen allele CA345439182.